The following is an entry in ClinVar:

ClinVar aggregate classification (germline): Uncertain significance. Review status: criteria provided, multiple submitters, no conflicts (2 of 4 stars). 2 submissions from 2 submitters: Uncertain significance (2). Last evaluated 2025-09-24.

Allele frequency attached by ClinVar (database versions not stated): TOPMed 0.00001; gnomAD exomes 0.00002 and 0.00003; 1000 Genomes Project 30x 0.00031; ExAC 0.00001; 1000 Genomes Project 0.00020; gnomAD 0.00001.
gnomAD v4.1: 11 of 1,614,154 alleles (0.00068%); highest among the groups gnomAD compares: Admixed American, 0.017%; no homozygotes.

Submissions (2):

Labcorp Genetics (formerly Invitae), Labcorp
Classification: Uncertain significance. Last evaluated: 2025-09-24. Review status: criteria provided, single submitter. Criteria: Invitae Variant Classification Sherloc (09022015). Collection method: clinical testing. Allele origin: germline.
Comment: This sequence change replaces alanine, which is neutral and non-polar, with valine, which is neutral and non-polar, at codon 873 of the IL6ST protein (p.Ala873Val). This variant is present in population databases (rs201093293, gnomAD 0.02%). This variant has not been reported in the literature in individuals affected with IL6ST-related conditions. ClinVar contains an entry for this variant (Variation ID: 1519246). An algorithm developed to predict the effect of missense changes on protein structure and function outputs the following: PolyPhen-2: "Benign". The valine amino acid residue is found in multiple mammalian species, which suggests that this missense change does not adversely affect protein function. In summary, the available evidence is currently insufficient to determine the role of this variant in disease. Therefore, it has been classified as a Variant of Uncertain Significance.

Ambry Genetics
Classification: Uncertain significance. Last evaluated: 2024-05-26. Review status: criteria provided, single submitter. Criteria: Ambry Variant Classification Scheme 2023. Collection method: clinical testing. Allele origin: germline.

NM_002184.4(IL6ST):c.2618C>T (p.Ala873Val)

Gene: IL6ST (interleukin 6 cytokine family signal transducer; minus strand). Cytogenetic location: 5q11.2.
Variant type: single nucleotide variant.
Coding change: c.2618C>T on transcript NM_002184.4 (MANE Select); coding-DNA position 2618, C replaced by T.
Protein change: p.Ala873Val; replaces alanine 873 with valine.
Molecular consequence: missense variant. On other transcripts: 3 prime UTR variant (1), non-coding transcript variant (2).
Genome position (GRCh38, 1-based): chr5:55,941,221, G>A on the plus strand (C>T on the coding strand, the complement: IL6ST is on the minus strand). VCF-style: chr5-55941221-G-A. GRCh37 (hg19) VCF-style: chr5-55237049-G-A.
Other names: c.2435C>T, p.Ala812Val (NM_001190981.2); c.2516C>T, p.Ala839Val (NM_001364275.2); c.2408C>T, p.Ala803Val (NM_001364276.2); c.1751C>T, p.Ala584Val (NM_001364277.2); c.1715C>T, p.Ala572Val (NM_001364278.2); c.1622C>T, p.Ala541Val (NM_001364279.2); c.*1545C>T (NM_175767.3); c.2618C>T (NM_002184.3); short protein forms A541V, A839V, A873V, A572V, A803V, A812V, A584V.
Identifiers: ClinVar variation 1519246 (VCV001519246.7), dbSNP rs201093293, ClinGen allele CA3271123.